The following is an entry in ClinVar:

ClinVar aggregate classification (germline): Uncertain significance (1 of 4 stars; one submission).

Conditions:
Hereditary cancer-predisposing syndrome. Also called: Neoplastic Syndromes, Hereditary; Tumor predisposition; Hereditary Cancer Syndrome; Hereditary neoplastic syndrome. Identifiers: Orphanet 140162, MedGen C0027672, MeSH D009386, MONDO:0015356.

Submission:

Labcorp Genetics (formerly Invitae), Labcorp
Classification: Uncertain significance for Hereditary cancer-predisposing syndrome. Last evaluated: 2017-01-26. Review status: criteria provided, single submitter. Criteria: Invitae Variant Classification Sherloc (09022015). Collection method: clinical testing. Allele origin: germline.
Comment: This variant is not present in population databases (ExAC no frequency) and has not been reported in the literature in individuals with a RAD50-related disease. This sequence change replaces valine with leucine at codon 96 of the RAD50 protein (p.Val96Leu). The valine residue is moderately conserved and there is a small physicochemical difference between valine and leucine. Algorithms developed to predict the effect of missense changes on protein structure and function do not agree on the potential impact of this missense change (SIFT: "Tolerated"; PolyPhen-2: "Possibly Damaging"; Align-GVGD: "Class C0"). In summary, this variant is a novel missense change with uncertain impact on protein function. It has been classified as a Variant of Uncertain Significance.

NM_005732.4(RAD50):c.286G>C (p.Val96Leu)

Gene: RAD50 (RAD50 double strand break repair protein; plus strand). Cytogenetic location: 5q31.1.
Variant type: single nucleotide variant.
Coding change: c.286G>C on transcript NM_005732.4 (MANE Select); coding-DNA position 286, G replaced by C.
Protein change: p.Val96Leu; replaces valine 96 with leucine.
Molecular consequence: missense variant.
Genome position (GRCh38, 1-based): chr5:132,575,849, G>C. VCF-style: chr5-132575849-G-C. GRCh37 (hg19) VCF-style: chr5-131911541-G-C.
Other names: short protein forms V96L.
Identifiers: ClinVar variation 457421 (VCV000457421.9), dbSNP rs1554097575, ClinGen allele CA360930870.